The following is an entry in ClinVar:

NM_004431.5(EPHA2):c.2799C>G (p.Ile933Met)

Gene: EPHA2 (EPH receptor A2; minus strand). Cytogenetic location: 1p36.13.
Variant type: single nucleotide variant.
Coding change: c.2799C>G on transcript NM_004431.5 (MANE Select); coding-DNA position 2799, C replaced by G.
Protein change: p.Ile933Met; replaces isoleucine 933 with methionine.
Molecular consequence: missense variant.
Genome position (GRCh38, 1-based): chr1:16,129,460, G>C on the plus strand (C>G on the coding strand, the complement: EPHA2 is on the minus strand). VCF-style: chr1-16129460-G-C. GRCh37 (hg19) VCF-style: chr1-16455955-G-C.
Other names: c.2637C>G, p.Ile879Met (NM_001329090.2); c.2799C>G (NM_004431.3); short protein forms I879M, I933M.
Identifiers: ClinVar variation 3358538 (VCV003358538.2).

ClinVar aggregate classification (germline): Uncertain significance. Review status: criteria provided, single submitter (1 of 4 stars). 2 submissions from 2 submitters: Uncertain significance (1). 1 of the submissions does not count toward it. Last evaluated 2025-04-10.

Conditions:
EPHA2-related disorder. Also called: EPHA2-related condition.
Inborn genetic diseases. Identifiers: MedGen C0950123, MeSH D030342.

gnomAD v4.1: 115 of 1,613,548 alleles (0.0071%); highest among the groups gnomAD compares: Non-Finnish European, 0.0088%; no homozygotes.

Submissions (2):

Ambry Genetics
Classification: Uncertain significance for Inborn genetic diseases. Last evaluated: 2025-04-10. Review status: criteria provided, single submitter. Criteria: Ambry Variant Classification Scheme 2023. Collection method: clinical testing. Allele origin: germline.

PreventionGenetics, part of Exact Sciences
Classification: Uncertain significance for EPHA2-related condition. Last evaluated: 2024-05-30. Review status: no assertion criteria provided. Collection method: clinical testing. Allele origin: germline. Not counted in ClinVar's aggregate classification.
Comment: The EPHA2 c.2799C>G variant is predicted to result in the amino acid substitution p.Ile933Met. To our knowledge, this variant has not been reported in the literature. This variant is reported in 0.0085% of alleles in individuals of European (Non-Finnish) descent in gnomAD. At this time, the clinical significance of this variant is uncertain due to the absence of conclusive functional and genetic evidence.